The following is an entry in ClinVar:

NM_147196.3(TMIE):c.393G>A (p.Lys131=)

Gene: TMIE (transmembrane inner ear; plus strand). Cytogenetic location: 3p21.31.
Variant type: single nucleotide variant.
Coding change: c.393G>A on transcript NM_147196.3 (MANE Select); coding-DNA position 393, G replaced by A.
Protein change: p.Lys131=; no amino-acid change (lysine 131 retained).
Molecular consequence: synonymous variant.
Genome position (GRCh38, 1-based): chr3:46,709,610, G>A. VCF-style: chr3-46709610-G-A. GRCh37 (hg19) VCF-style: chr3-46751100-G-A.
Other names: c.234G>A, p.Lys78= (NM_001370524.1, NM_001370525.1).
Identifiers: ClinVar variation 1661131 (VCV001661131.12), dbSNP rs922496583, ClinGen allele CA73733250.

ClinVar aggregate classification (germline): Likely benign. Review status: criteria provided, multiple submitters, no conflicts (2 of 4 stars). 2 submissions from 2 submitters: Likely benign (2). Last evaluated 2026-08-01.

Allele frequency attached by ClinVar (database versions not stated): TOPMed 0.00028.

Submissions (2):

CeGaT Center for Human Genetics Tuebingen
Classification: Likely benign. Last evaluated: 2026-08-01. Review status: criteria provided, single submitter. Criteria: CeGaT Center For Human Genetics Tuebingen Variant Classification Criteria Version 2. Collection method: clinical testing. Allele origin: germline. Affected: yes. Observed: 2 variant alleles.
Comment: TMIE: PM2:Supporting, BP4, BP7

Labcorp Genetics (formerly Invitae), Labcorp
Classification: Likely benign. Last evaluated: 2025-09-08. Review status: criteria provided, single submitter. Criteria: Invitae Variant Classification Sherloc (09022015). Collection method: clinical testing. Allele origin: germline.